The following is an entry in ClinVar:

NM_001077365.2(POMT1):c.761T>G (p.Leu254Arg)

Gene: POMT1 (protein O-mannosyltransferase 1; plus strand). Cytogenetic location: 9q34.13.
Variant type: single nucleotide variant.
Coding change: c.761T>G on transcript NM_001077365.2 (MANE Select); coding-DNA position 761, T replaced by G.
Protein change: p.Leu254Arg; replaces leucine 254 with arginine.
Molecular consequence: missense variant. On other transcripts: 5 prime UTR variant (1), non-coding transcript variant (10), synonymous variant (1).
Genome position (GRCh38, 1-based): chr9:131,510,321, T>G. VCF-style: chr9-131510321-T-G. GRCh37 (hg19) VCF-style: chr9-134385708-T-G.
Other names: c.371T>G, p.Leu124Arg (NM_001374695.1); c.-376T>G (NM_001411024.1); c.827T>G, p.Leu276Arg (NM_007171.4, NM_001353193.2); c.827T>G (NM_007171.3); c.599T>G, p.Leu200Arg (NM_001077366.2, NM_001353194.2, NM_001374693.1); c.761T>G, p.Leu254Arg (NM_001136113.2, NM_001374690.1); c.410T>G, p.Leu137Arg (NM_001136114.2, NM_001353195.2, NM_001374691.1 and 1 more transcripts); c.671T>G, p.Leu224Arg (NM_001353196.2); and 4 more; short protein forms L102R, L124R, L137R, L159R, L200R, L222R, L224R, L254R.
Identifiers: ClinVar variation 2418745 (VCV002418745.9), dbSNP rs985794800, ClinGen allele CA200784844.

ClinVar aggregate classification (germline): Uncertain significance. Review status: criteria provided, multiple submitters, no conflicts (2 of 4 stars). 2 submissions from 2 submitters: Uncertain significance (2). Last evaluated 2023-10-13.

Conditions:
Walker-Warburg congenital muscular dystrophy. Also called: Muscular dystrophy-dystroglycanopathy, type A; Walker-Warburg syndrome. Identifiers: Orphanet 899, MedGen C0265221, MONDO:0000171.
Muscular dystrophy-dystroglycanopathy (congenital with impaired intellectual development), type B, 1. Also called: Muscular dystrophy-dystroglycanopathy (congenital with intellectual disability), type B1; MUSCULAR DYSTROPHY, CONGENITAL, POMT1-RELATED. Identifiers: MedGen C5436962, MONDO:0013159, OMIM 613155.
Autosomal recessive limb-girdle muscular dystrophy type 2K. Also called: MUSCULAR DYSTROPHY-DYSTROGLYCANOPATHY (LIMB-GIRDLE), TYPE C, 1; MUSCULAR DYSTROPHY, LIMB-GIRDLE, TYPE 2K. Identifiers: Orphanet 86812, MedGen C1836373, MONDO:0012248, OMIM 609308.
POMT1-related disorder. Also called: POMT1-related condition; POMT1-related disorders.

Allele frequency attached by ClinVar (database versions not stated): gnomAD 0.00003; TOPMed 0.00003.
gnomAD v4.1: 6 of 1,614,122 alleles (0.00037%); highest among the groups gnomAD compares: African/African-American, 0.008%; no homozygotes.

Submissions (2):

Labcorp Genetics (formerly Invitae), Labcorp
Classification: Uncertain significance for Muscular dystrophy-dystroglycanopathy (congenital with impaired intellectual development), type B, 1; Walker-Warburg congenital muscular dystrophy; Autosomal recessive limb-girdle muscular dystrophy type 2K. Last evaluated: 2023-10-13. Review status: criteria provided, single submitter. Criteria: Invitae Variant Classification Sherloc (09022015). Collection method: clinical testing. Allele origin: germline.
Comment: This sequence change replaces leucine, which is neutral and non-polar, with arginine, which is basic and polar, at codon 276 of the POMT1 protein (p.Leu276Arg). This variant is not present in population databases (gnomAD no frequency). This variant has not been reported in the literature in individuals affected with POMT1-related conditions. ClinVar contains an entry for this variant (Variation ID: 2418745). Advanced modeling of protein sequence and biophysical properties (such as structural, functional, and spatial information, amino acid conservation, physicochemical variation, residue mobility, and thermodynamic stability) has been performed at Invitae for this missense variant, however the output from this modeling did not meet the statistical confidence thresholds required to predict the impact of this variant on POMT1 protein function. In summary, the available evidence is currently insufficient to determine the role of this variant in disease. Therefore, it has been classified as a Variant of Uncertain Significance.

PreventionGenetics, part of Exact Sciences
Classification: Uncertain significance for POMT1-related condition. Last evaluated: 2023-09-06. Review status: criteria provided, single submitter. Criteria: ACMG Guidelines, 2015. Collection method: clinical testing. Allele origin: germline.
Comment: The POMT1 c.827T>G variant is predicted to result in the amino acid substitution p.Leu276Arg. To our knowledge, this variant has not been reported in the literature or in a large population database, indicating this variant is rare. At this time, the clinical significance of this variant is uncertain due to the absence of conclusive functional and genetic evidence.